The following is an entry in ClinVar:

NM_001089.3(ABCA3):c.4322T>C (p.Phe1441Ser)

Gene: ABCA3 (ATP binding cassette subfamily A member 3; minus strand). Cytogenetic location: 16p13.3.
Variant type: single nucleotide variant.
Coding change: c.4322T>C on transcript NM_001089.3 (MANE Select); coding-DNA position 4322, T replaced by C.
Protein change: p.Phe1441Ser; replaces phenylalanine 1441 with serine.
Molecular consequence: missense variant.
Genome position (GRCh38, 1-based): chr16:2,281,064, A>G on the plus strand (T>C on the coding strand, the complement: ABCA3 is on the minus strand). VCF-style: chr16-2281064-A-G. GRCh37 (hg19) VCF-style: chr16-2331065-A-G.
Other names: short protein forms F1441S.
Identifiers: ClinVar variation 88777 (VCV000088777.2), dbSNP rs397518429, ClinGen allele CA220096.

ClinVar aggregate classification (germline): not provided (0 of 4 stars; one submission).

Submission:

Cole and Hamvas Lab,  Washington University - St. Louis
No classification provided. Review status: no classification provided. Collection method: not provided. Allele origin: unknown.
Comment: Zhuang Chinese
ClinVar note: Converted during submission from untested to not provided.